The following is an entry in ClinVar:

NM_032737.4(LMNB2):c.147G>C (p.Glu49Asp)

Gene: LMNB2 (lamin B2; minus strand). Cytogenetic location: 19p13.3.
Variant type: single nucleotide variant.
Coding change: c.147G>C on transcript NM_032737.4 (MANE Select); coding-DNA position 147, G replaced by C.
Protein change: p.Glu49Asp; replaces glutamic acid 49 with aspartic acid.
Molecular consequence: missense variant.
Genome position (GRCh38, 1-based): chr19:2,456,787, C>G on the plus strand (G>C on the coding strand, the complement: LMNB2 is on the minus strand). VCF-style: chr19-2456787-C-G. GRCh37 (hg19) VCF-style: chr19-2456785-C-G.
Other names: short protein forms E49D.
Identifiers: ClinVar variation 969719 (VCV000969719.9), dbSNP rs1302429423, ClinGen allele CA403259962.
Genomic context (GRCh38, chr19:2,456,787, plus strand): 5'-CAGCTCCAGCGCGCGGACGCGGTCGATGTAGTGCGCCAGGCGGTCGTTGAGCTCGCGCAG[C>G]TCCTCCTTCTCCTGCAGCCGCGACAGGCGCGTGGGCGACAGCGGCGTGGCGGGCCCGCCC-3'
Protein context (NP_116126.3, residues 39-59): TRLSRLQEKE[Glu49Asp]LRELNDRLAH

ClinVar aggregate classification (germline): Uncertain significance (1 of 4 stars; one submission).

Conditions:
Progressive myoclonic epilepsy type 9. Identifiers: Orphanet 457265, MedGen C4225289, MONDO:0014685, OMIM 616540.
Lipodystrophy, partial, acquired, susceptibility to (APLD). Also called: APLD, SUSCEPTIBILITY TO. Identifiers: MedGen C3887501, MONDO:0100476, OMIM 608709.

Allele frequency attached by ClinVar (database versions not stated): TOPMed below 0.00001; gnomAD 0.00001.

Submission:

Labcorp Genetics (formerly Invitae), Labcorp
Classification: Uncertain significance for Progressive myoclonic epilepsy type 9; Lipodystrophy, partial, acquired, susceptibility to. Last evaluated: 2019-10-18. Review status: criteria provided, single submitter. Criteria: Invitae Variant Classification Sherloc (09022015). Collection method: clinical testing. Allele origin: germline.
Comment: In summary, the available evidence is currently insufficient to determine the role of this variant in disease. Therefore, it has been classified as a Variant of Uncertain Significance. Algorithms developed to predict the effect of missense changes on protein structure and function (SIFT, PolyPhen-2, Align-GVGD) all suggest that this variant is likely to be tolerated, but these predictions have not been confirmed by published functional studies and their clinical significance is uncertain. This variant has not been reported in the literature in individuals with LMNB2-related conditions. This variant is not present in population databases (ExAC no frequency). This sequence change replaces glutamic acid with aspartic acid at codon 49 of the LMNB2 protein (p.Glu49Asp). The glutamic acid residue is moderately conserved and there is a small physicochemical difference between glutamic acid and aspartic acid.